The following is an entry in ClinVar:

NM_001170629.2(CHD8):c.6795C>T (p.Phe2265=)

Genes: CHD8 (chromodomain helicase DNA binding protein 8; minus strand), LOC126861888 (CDK7 strongly-dependent group 2 enhancer GRCh37_chr14:21859227-21860426; plus strand). Cytogenetic location: 14q11.2.
Variant type: single nucleotide variant.
Coding change: c.6795C>T on transcript NM_001170629.2 (MANE Select); coding-DNA position 6795, C replaced by T.
Protein change: p.Phe2265=; no amino-acid change (phenylalanine 2265 retained).
Molecular consequence: synonymous variant.
Genome position (GRCh38, 1-based): chr14:21,391,923, G>A on the plus strand (C>T on the coding strand, the complement: CHD8 is on the minus strand). VCF-style: chr14-21391923-G-A. GRCh37 (hg19) VCF-style: chr14-21860082-G-A.
Other names: c.5958C>T, p.Phe1986= (NM_020920.4).
Identifiers: ClinVar variation 1755467 (VCV001755467.6), dbSNP rs747289672, ClinGen allele CA7090674.

ClinVar aggregate classification (germline): Conflicting classifications of pathogenicity. Review status: criteria provided, conflicting classifications (1 of 4 stars). 2 submissions from 2 submitters: Uncertain significance (1); Likely benign (1). Last evaluated 2023-09-08.

Conditions:
Intellectual developmental disorder with autism and macrocephaly. Also called: Autism, susceptibility to, 18; CHD8-Related Neurodevelopmental Disorder with Overgrowth. Identifiers: Orphanet 642675, MedGen C3554373, MONDO:0014017, OMIM 615032.
Inborn genetic diseases. Identifiers: MedGen C0950123, MeSH D030342.

Allele frequency attached by ClinVar (database versions not stated): ExAC 0.00002.
gnomAD v4.1: 9 of 1,613,544 alleles (0.00056%); highest among the groups gnomAD compares: Non-Finnish European, 0.00076%; no homozygotes.

Submissions (2):

Revvity Omics, Revvity
Classification: Uncertain significance for Intellectual developmental disorder with autism and macrocephaly. Last evaluated: 2023-09-08. Review status: criteria provided, single submitter. Criteria: ACMG Guidelines, 2015. Collection method: clinical testing. Allele origin: germline.

Ambry Genetics
Classification: Likely benign for Inborn genetic diseases. Last evaluated: 2020-01-03. Review status: criteria provided, single submitter. Criteria: Ambry Variant Classification Scheme 2023. Collection method: clinical testing. Allele origin: germline.